The following is an entry in ClinVar:

NM_172107.4(KCNQ2):c.1465C>G (p.Arg489Gly)

Gene: KCNQ2 (potassium voltage-gated channel subfamily Q member 2; minus strand). Cytogenetic location: 20q13.33.
Variant type: single nucleotide variant.
Coding change: c.1465C>G on transcript NM_172107.4 (MANE Select); coding-DNA position 1465, C replaced by G.
Protein change: p.Arg489Gly; replaces arginine 489 with glycine.
Molecular consequence: missense variant.
Genome position (GRCh38, 1-based): chr20:63,414,963, G>C on the plus strand (C>G on the coding strand, the complement: KCNQ2 is on the minus strand). VCF-style: chr20-63414963-G-C. GRCh37 (hg19) VCF-style: chr20-62046316-G-C.
Other names: c.1411C>G, p.Arg471Gly (NM_001382235.1, NM_172106.3); c.1381C>G, p.Arg461Gly (NM_004518.6); c.1375C>G, p.Arg459Gly (NM_172108.5); short protein forms R459G, R461G, R471G, R489G.
Identifiers: ClinVar variation 1020383 (VCV001020383.12), dbSNP rs775387876, ClinGen allele CA9958455.

ClinVar aggregate classification (germline): Uncertain significance. Review status: criteria provided, multiple submitters, no conflicts (2 of 4 stars). 3 submissions from 3 submitters: Uncertain significance (3). Last evaluated 2025-07-28.

Conditions:
Early-infantile DEE. Also called: Ohtahara syndrome; Early infantile epileptic encephalopathy; Early infantile epileptic encephalopathy with suppression bursts. Identifiers: Orphanet 1934, MedGen C0393706, MONDO:0800491.

gnomAD v4.1: 9 of 1,612,292 alleles (0.00056%); highest among the groups gnomAD compares: Non-Finnish European, 0.00076%; no homozygotes.

Submissions (3):

Women's Health and Genetics/Laboratory Corporation of America, LabCorp
Classification: Uncertain significance. Last evaluated: 2025-07-28. Review status: criteria provided, single submitter. Criteria: LabCorp Variant Classification Summary - May 2015. Collection method: clinical testing. Allele origin: germline.
Comment: Variant summary: KCNQ2 c.1465C>G (p.Arg489Gly) results in a non-conservative amino acid change in the encoded protein sequence. Algorithms developed to predict the effect of missense changes on protein structure and function all suggest that this variant is likely to be disruptive. The variant allele was found at a frequency of 1.2e-05 in 247316 control chromosomes. The available data on variant occurrences in the general population are insufficient to allow any conclusion about variant significance. To our knowledge, no occurrence of c.1465C>G in individuals affected with KCNQ2-Related Disorders and no experimental evidence demonstrating its impact on protein function have been reported. ClinVar contains an entry for this variant (Variation ID: 1020383). Based on the evidence outlined above, the variant was classified as uncertain significance.

Blueprint Genetics
Classification: Uncertain significance. Last evaluated: 2024-06-28. Review status: criteria provided, single submitter. Criteria: ACMG Guidelines, 2015. Collection method: clinical testing. Allele origin: germline.

Labcorp Genetics (formerly Invitae), Labcorp
Classification: Uncertain significance for Early-infantile DEE. Last evaluated: 2021-03-20. Review status: criteria provided, single submitter. Criteria: Invitae Variant Classification Sherloc (09022015). Collection method: clinical testing. Allele origin: germline.
Comment: In summary, the available evidence is currently insufficient to determine the role of this variant in disease. Therefore, it has been classified as a Variant of Uncertain Significance. Advanced modeling of protein sequence and biophysical properties (such as structural, functional, and spatial information, amino acid conservation, physicochemical variation, residue mobility, and thermodynamic stability) performed at Invitae indicates that this missense variant is expected to disrupt KCNQ2 protein function. This variant has not been reported in the literature in individuals with KCNQ2-related conditions. ClinVar contains an entry for this variant (Variation ID: 1020383). This variant is present in population databases (rs775387876, ExAC 0.003%). This sequence change replaces arginine with glycine at codon 489 of the KCNQ2 protein (p.Arg489Gly). The arginine residue is moderately conserved and there is a moderate physicochemical difference between arginine and glycine.